The following is an entry in ClinVar:

ClinVar aggregate classification (germline): Uncertain significance (1 of 4 stars; one submission).

Submission:

Labcorp Genetics (formerly Invitae), Labcorp
Classification: Uncertain significance. Last evaluated: 2025-07-21. Review status: criteria provided, single submitter. Criteria: Invitae Variant Classification Sherloc (09022015). Collection method: clinical testing. Allele origin: germline.
Comment: This sequence change replaces asparagine, which is neutral and polar, with serine, which is neutral and polar, at codon 148 of the TM4SF20 protein (p.Asn148Ser). This variant is present in population databases (rs758240900, gnomAD 0.003%). This variant has not been reported in the literature in individuals affected with TM4SF20-related conditions. ClinVar contains an entry for this variant (Variation ID: 3678361). An algorithm developed to predict the effect of missense changes on protein structure and function outputs the following: PolyPhen-2: "Benign". The serine amino acid residue is found in multiple mammalian species, which suggests that this missense change does not adversely affect protein function. In summary, the available evidence is currently insufficient to determine the role of this variant in disease. Therefore, it has been classified as a Variant of Uncertain Significance.

NM_024795.4(TM4SF20):c.443A>G (p.Asn148Ser)

Gene: TM4SF20 (transmembrane 4 L six family member 20; minus strand). Cytogenetic location: 2q36.3.
Variant type: single nucleotide variant.
Coding change: c.443A>G on transcript NM_024795.4 (MANE Select); coding-DNA position 443, A replaced by G.
Protein change: p.Asn148Ser; replaces asparagine 148 with serine.
Molecular consequence: missense variant.
Genome position (GRCh38, 1-based): chr2:227,363,971, T>C on the plus strand (A>G on the coding strand, the complement: TM4SF20 is on the minus strand). VCF-style: chr2-227363971-T-C. GRCh37 (hg19) VCF-style: chr2-228228687-T-C.
Other names: short protein forms N148S.
Identifiers: ClinVar variation 3678361 (VCV003678361.2).